The following is an entry in ClinVar:

ClinVar aggregate classification (germline): Conflicting classifications of pathogenicity. Review status: criteria provided, conflicting classifications (1 of 4 stars). 4 submissions from 4 submitters: Uncertain significance (3); Likely benign (1). Last evaluated 2026-05-12.

Conditions:
Inborn genetic diseases. Identifiers: MedGen C0950123, MeSH D030342.
CACNA1D-related disorder.

Allele frequency attached by ClinVar (database versions not stated): gnomAD 0.00001; gnomAD exomes 0.00006 and 0.00013; ExAC 0.00009.
gnomAD v4.1: 34 of 1,612,246 alleles (0.0021%); highest among the groups gnomAD compares: Admixed American, 0.057%; no homozygotes.

Submissions (4):

PreventionGenetics, part of Exact Sciences
Classification: Uncertain significance for CACNA1D-related condition. Last evaluated: 2026-05-12. Review status: criteria provided, single submitter. Criteria: ACMG Guidelines, 2015. Collection method: clinical testing. Allele origin: germline.
Comment: The CACNA1D c.6455A>G variant is predicted to result in the amino acid substitution p.Asp2152Gly. To our knowledge, this variant has not been reported in the literature. This variant is reported in 0.093% of alleles in individuals of Latino descent in gnomAD. Although we suspect that this variant may be benign, at this time, the clinical significance of this variant is uncertain due to the absence of conclusive functional and genetic evidence.

Labcorp Genetics (formerly Invitae), Labcorp
Classification: Likely benign. Last evaluated: 2025-06-18. Review status: criteria provided, single submitter. Criteria: Invitae Variant Classification Sherloc (09022015). Collection method: clinical testing. Allele origin: germline.

GeneDx
Classification: Uncertain significance. Last evaluated: 2024-10-04. Review status: criteria provided, single submitter. Criteria: GeneDx Variant Classification Process June 2021. Collection method: clinical testing. Allele origin: germline. Affected: yes.
Comment: In silico analysis supports that this missense variant has a deleterious effect on protein structure/function; Has not been previously published as pathogenic or benign to our knowledge

Ambry Genetics
Classification: Uncertain significance for Inborn genetic diseases. Last evaluated: 2021-08-23. Review status: criteria provided, single submitter. Criteria: Ambry Variant Classification Scheme 2023. Collection method: clinical testing. Allele origin: germline.

NM_001128840.3(CACNA1D):c.6395A>G (p.Asp2132Gly)

Gene: CACNA1D (calcium voltage-gated channel subunit alpha1 D; plus strand). Cytogenetic location: 3p21.1.
Variant type: single nucleotide variant.
Coding change: c.6395A>G on transcript NM_001128840.3 (MANE Select); coding-DNA position 6395, A replaced by G.
Protein change: p.Asp2132Gly; replaces aspartic acid 2132 with glycine.
Molecular consequence: missense variant.
Genome position (GRCh38, 1-based): chr3:53,811,315, A>G. VCF-style: chr3-53811315-A-G. GRCh37 (hg19) VCF-style: chr3-53845342-A-G.
Other names: c.6455A>G, p.Asp2152Gly (NM_000720.4); c.6323A>G, p.Asp2108Gly (NM_001128839.3); c.6455A>G (NM_000720.3); short protein forms D2108G, D2132G, D2152G.
Identifiers: ClinVar variation 1300580 (VCV001300580.10), dbSNP rs779549091, ClinGen allele CA2455443.